The following is an entry in ClinVar:

NM_006445.4(PRPF8):c.6918C>G (p.His2306Gln)

Gene: PRPF8 (pre-mRNA processing factor 8; minus strand). Cytogenetic location: 17p13.3.
Variant type: single nucleotide variant.
Coding change: c.6918C>G on transcript NM_006445.4 (MANE Select); coding-DNA position 6918, C replaced by G.
Protein change: p.His2306Gln; replaces histidine 2306 with glutamine.
Molecular consequence: missense variant.
Genome position (GRCh38, 1-based): chr17:1,650,892, G>C on the plus strand (C>G on the coding strand, the complement: PRPF8 is on the minus strand). VCF-style: chr17-1650892-G-C. GRCh37 (hg19) VCF-style: chr17-1554186-G-C.
Other names: short protein forms H2306Q.
Identifiers: ClinVar variation 1490053 (VCV001490053.8), dbSNP rs756489004, ClinGen allele CA8271047.

ClinVar aggregate classification (germline): Uncertain significance (1 of 4 stars; one submission).

gnomAD v4.1: 7 of 1,614,152 alleles (0.00043%); highest among the groups gnomAD compares: South Asian, 0.0066%; no homozygotes.

Submission:

Labcorp Genetics (formerly Invitae), Labcorp
Classification: Uncertain significance. Last evaluated: 2022-11-22. Review status: criteria provided, single submitter. Criteria: Invitae Variant Classification Sherloc (09022015). Collection method: clinical testing. Allele origin: germline.
Comment: This sequence change replaces histidine, which is basic and polar, with glutamine, which is neutral and polar, at codon 2306 of the PRPF8 protein (p.His2306Gln). In summary, the available evidence is currently insufficient to determine the role of this variant in disease. Therefore, it has been classified as a Variant of Uncertain Significance. Advanced modeling of protein sequence and biophysical properties (such as structural, functional, and spatial information, amino acid conservation, physicochemical variation, residue mobility, and thermodynamic stability) performed at Invitae indicates that this missense variant is not expected to disrupt PRPF8 protein function. ClinVar contains an entry for this variant (Variation ID: 1490053). This variant has not been reported in the literature in individuals affected with PRPF8-related conditions. This variant is present in population databases (rs756489004, gnomAD 0.01%).